The following is an entry in ClinVar:

ClinVar aggregate classification (germline): Uncertain significance (1 of 4 stars; one submission).

Conditions:
Long QT syndrome (LQTS). Identifiers: MedGen C0023976, MeSH D008133, MONDO:0002442. Disease mechanism: loss of function. Inheritance: Various modes of inheritance.

Submission:

Labcorp Genetics (formerly Invitae), Labcorp
Classification: Uncertain significance for Long QT syndrome. Last evaluated: 2019-06-26. Review status: criteria provided, single submitter. Criteria: Invitae Variant Classification Sherloc (09022015). Collection method: clinical testing. Allele origin: germline.
Comment: This sequence change replaces arginine with proline at codon 92 of the KCNH2 protein (p.Arg92Pro). The arginine residue is moderately conserved and there is a moderate physicochemical difference between arginine and proline. This variant is not present in population databases (ExAC no frequency). This variant has not been reported in the literature in individuals with KCNH2-related disease. Algorithms developed to predict the effect of missense changes on protein structure and function are either unavailable or do not agree on the potential impact of this missense change (SIFT: "Deleterious"; PolyPhen-2: "Probably Damaging"; Align-GVGD: "Class C0"). In summary, the available evidence is currently insufficient to determine the role of this variant in disease. Therefore, it has been classified as a Variant of Uncertain Significance.

NM_000238.4(KCNH2):c.275G>C (p.Arg92Pro)

Gene: KCNH2 (potassium voltage-gated channel subfamily H member 2; minus strand). Cytogenetic location: 7q36.1.
Variant type: single nucleotide variant.
Coding change: c.275G>C on transcript NM_000238.4 (MANE Select); coding-DNA position 275, G replaced by C.
Protein change: p.Arg92Pro; replaces arginine 92 with proline.
Molecular consequence: missense variant.
Genome position (GRCh38, 1-based): chr7:150,974,743, C>G on the plus strand (G>C on the coding strand, the complement: KCNH2 is on the minus strand). VCF-style: chr7-150974743-C-G. GRCh37 (hg19) VCF-style: chr7-150671831-C-G.
Other names: c.98G>C, p.Arg33Pro (NM_001406755.1); c.275G>C, p.Arg92Pro (NM_172056.3); short protein forms R92P, R33P.
Identifiers: ClinVar variation 947667 (VCV000947667.3), dbSNP rs794728413, ClinGen allele CA369865378.